The following is an entry in ClinVar:

NC_000001.10:g.(?_145507647)_(145509231_?)del

Gene: RBM8A (RNA binding motif protein 8A; minus strand). Cytogenetic location: 1q21.1.
Variant type: Deletion.
Identifiers: ClinVar variation 528377 (VCV000528377.3).

ClinVar aggregate classification (germline): Pathogenic (1 of 4 stars; one submission).

Conditions:
Radial aplasia-thrombocytopenia syndrome (TAR). Also called: TAR syndrome; Thrombocytopenia Absent Radius Syndrome. Identifiers: Orphanet 3320, MedGen C0175703, MeSH C536940, MONDO:0010121, OMIM 274000.

Submission:

Labcorp Genetics (formerly Invitae), Labcorp
Classification: Pathogenic for Radial aplasia-thrombocytopenia syndrome. Last evaluated: 2019-12-23. Review status: criteria provided, single submitter. Criteria: Invitae Variant Classification Sherloc (09022015). Collection method: clinical testing. Allele origin: germline.
Comment: A gross deletion of the genomic region encompassing the full coding sequence of the RBM8A gene has been identified. The boundaries of this event are unknown as the deletion extends beyond the assayed region for this gene and therefore may encompass additional genes. Gross deletions of the entire RBM8A gene are included in the critical region of a recurrent microdeletion that spans chromosomal band 1q21.1 and includes additional genes. This microdeletion has been reported in many individuals affected with thrombocytopenia-absent radius (TAR) syndrome and is typically inherited along with an additional hypomorphic variant on the opposite allele (PMID: 17236129, 24220582, 27846804). Loss-of-function variants in RBM8A are known to be pathogenic (PMID: 22366785). For these reasons, this variant has been classified as Pathogenic.

Literature cited by the submitters: PubMed 17236129; PubMed 27846804; PubMed 24220582.